The following is an entry in ClinVar:

ClinVar aggregate classification (germline): Uncertain significance (1 of 4 stars; one submission).

Conditions:
Autosomal dominant childhood-onset proximal spinal muscular atrophy with contractures (SMALED2A). Also called: SPINAL MUSCULAR ATROPHY, LOWER EXTREMITY-PREDOMINANT, 2A, CHILDHOOD ONSET, AUTOSOMAL DOMINANT; Spinal muscular atrophy, lower extremity-predominant, 2A, autosomal dominant. Identifiers: Orphanet 363447, Orphanet 363454, MedGen C4747715, MONDO:0014121, OMIM 615290.

Allele frequency attached by ClinVar (database versions not stated): gnomAD exomes below 0.00001; gnomAD 0.00001.
gnomAD v4.1: 3 of 1,613,538 alleles (0.00019%); highest among the groups gnomAD compares: African/African-American, 0.0013%; no homozygotes.

Submission:

Labcorp Genetics (formerly Invitae), Labcorp
Classification: Uncertain significance for Autosomal dominant childhood-onset proximal spinal muscular atrophy with contractures. Last evaluated: 2022-10-10. Review status: criteria provided, single submitter. Criteria: Invitae Variant Classification Sherloc (09022015). Collection method: clinical testing. Allele origin: germline.
Comment: In summary, the available evidence is currently insufficient to determine the role of this variant in disease. Therefore, it has been classified as a Variant of Uncertain Significance. Advanced modeling of protein sequence and biophysical properties (such as structural, functional, and spatial information, amino acid conservation, physicochemical variation, residue mobility, and thermodynamic stability) performed at Invitae indicates that this missense variant is not expected to disrupt BICD2 protein function. This sequence change replaces glycine, which is neutral and non-polar, with cysteine, which is neutral and slightly polar, at codon 378 of the BICD2 protein (p.Gly378Cys). This variant is present in population databases (no rsID available, gnomAD 0.01%). This variant has not been reported in the literature in individuals affected with BICD2-related conditions.

NM_001003800.2(BICD2):c.1132G>T (p.Gly378Cys)

Gene: BICD2 (BICD cargo adaptor 2; minus strand). Cytogenetic location: 9q22.31.
Variant type: single nucleotide variant.
Coding change: c.1132G>T on transcript NM_001003800.2 (MANE Select); coding-DNA position 1132, G replaced by T.
Protein change: p.Gly378Cys; replaces glycine 378 with cysteine.
Molecular consequence: missense variant.
Genome position (GRCh38, 1-based): chr9:92,719,513, C>A on the plus strand (G>T on the coding strand, the complement: BICD2 is on the minus strand). VCF-style: chr9-92719513-C-A. GRCh37 (hg19) VCF-style: chr9-95481795-C-A.
Other names: c.1132G>T, p.Gly378Cys (NM_015250.4); short protein forms G378C.
Identifiers: ClinVar variation 2013305 (VCV002013305.4), dbSNP rs1331269686, ClinGen allele CA374040509.
Genomic context (GRCh38, chr9:92,719,513, plus strand): 5'-GCAGGGCACTCAGATTCTCTGTGAGGCGGGTCACCTTCTCCTGCTGTTCTGACAGGGAGC[C>A]CCGCGTGTGCTCCAGCTGCTTCTGTGTGTCCTGCAGCGTTGCCAGCAGGCCCGCCTTTTC-3'
Protein context (NP_001003800.1, residues 368-388): DTQKQLEHTR[Gly378Cys]SLSEQQEKVT